The following is an entry in ClinVar:

NM_001385875.1(ZFYVE27):c.3G>T (p.Met1Ile)

Gene: ZFYVE27 (zinc finger FYVE-type containing 27; plus strand). Cytogenetic location: 10q24.2.
Variant type: single nucleotide variant.
Coding change: c.3G>T on transcript NM_001385875.1 (MANE Select); coding-DNA position 3, G replaced by T.
Protein change: p.Met1Ile; changes the start codon (methionine 1).
Molecular consequence: missense variant, initiator codon variant. On other transcripts: 5 prime UTR variant (13), non-coding transcript variant (17), intron variant (5).
Genome position (GRCh38, 1-based): chr10:97,738,480, G>T. VCF-style: chr10-97738480-G-T. GRCh37 (hg19) VCF-style: chr10-99498237-G-T.
Other names: c.3G>T, p.Met1Ile (NM_001002261.4, NM_001385889.1, NM_001385901.1 and 24 more transcripts); c.-177G>T (NM_001385890.1, NM_001385893.1, NM_001385895.1 and 2 more transcripts); c.-164G>T (NM_001385899.1, NM_001385900.1, NM_001385903.1 and 5 more transcripts); c.-192G>T (NM_001385915.1); c.-8+1159G>T (NM_001385891.1, NM_001385894.1, NM_001385892.1 and 1 more transcripts); c.-27+1159G>T (NM_001174121.2); short protein forms M1I.
Identifiers: ClinVar variation 3027061 (VCV003027061.22), dbSNP rs2540260693, ClinGen allele CA377995883.

ClinVar aggregate classification (germline): Uncertain significance (1 of 4 stars; one submission).

Submission:

CeGaT Center for Human Genetics Tuebingen
Classification: Uncertain significance. Last evaluated: 2024-01-01. Review status: criteria provided, single submitter. Criteria: CeGaT Center For Human Genetics Tuebingen Variant Classification Criteria Version 2. Collection method: clinical testing. Allele origin: germline. Affected: yes. Observed: 1 variant allele.
Comment: ZFYVE27: PM2, PP4, PVS1:Supporting